The following is an entry in ClinVar:

NM_004530.6(MMP2):c.674A>G (p.Tyr225Cys)

Gene: MMP2 (matrix metallopeptidase 2; plus strand). Cytogenetic location: 16q12.2.
Variant type: single nucleotide variant.
Coding change: c.674A>G on transcript NM_004530.6 (MANE Select); coding-DNA position 674, A replaced by G.
Protein change: p.Tyr225Cys; replaces tyrosine 225 with cysteine.
Molecular consequence: missense variant.
Genome position (GRCh38, 1-based): chr16:55,485,619, A>G. VCF-style: chr16-55485619-A-G. GRCh37 (hg19) VCF-style: chr16-55519531-A-G.
Other names: c.524A>G, p.Tyr175Cys (NM_001127891.3); c.446A>G, p.Tyr149Cys (NM_001302508.1, NM_001302509.2, NM_001302510.2); short protein forms Y175C, Y149C, Y225C.
Identifiers: ClinVar variation 4109040 (VCV004109040.2).

ClinVar aggregate classification (germline): Uncertain significance. Review status: criteria provided, multiple submitters, no conflicts (2 of 4 stars). 2 submissions from 2 submitters: Uncertain significance (2). Last evaluated 2025-06-18.

Conditions:
Inborn genetic diseases. Identifiers: MedGen C0950123, MeSH D030342.

gnomAD v4.1: 13 of 1,614,026 alleles (0.00081%); highest among the groups gnomAD compares: Admixed American, 0.0017%; no homozygotes.

Submissions (2):

Ambry Genetics
Classification: Uncertain significance for Inborn genetic diseases. Last evaluated: 2025-06-18. Review status: criteria provided, single submitter. Criteria: Ambry Variant Classification Scheme 2023. Collection method: clinical testing. Allele origin: germline.

Labcorp Genetics (formerly Invitae), Labcorp
Classification: Uncertain significance. Last evaluated: 2025-02-27. Review status: criteria provided, single submitter. Criteria: Invitae Variant Classification Sherloc (09022015). Collection method: clinical testing. Allele origin: germline.
Comment: This sequence change replaces tyrosine, which is neutral and polar, with cysteine, which is neutral and slightly polar, at codon 225 of the MMP2 protein (p.Tyr225Cys). This variant is present in population databases (no rsID available, gnomAD 0.0009%). This variant has not been reported in the literature in individuals affected with MMP2-related conditions. Invitae Evidence Modeling of protein sequence and biophysical properties (such as structural, functional, and spatial information, amino acid conservation, physicochemical variation, residue mobility, and thermodynamic stability) indicates that this missense variant is not expected to disrupt MMP2 protein function with a negative predictive value of 80%. In summary, the available evidence is currently insufficient to determine the role of this variant in disease. Therefore, it has been classified as a Variant of Uncertain Significance.